The following is an entry in ClinVar:

NM_182961.4(SYNE1):c.10983_10984del (p.Arg3661fs)

Gene: SYNE1 (spectrin repeat containing nuclear envelope protein 1; minus strand). Cytogenetic location: 6q25.2.
Variant type: Microsatellite.
Coding change: c.10983_10984del on transcript NM_182961.4 (MANE Select); coding-DNA positions 10983 to 10984, 2 bases deleted (AG; older notation c.10983_10984delAG).
Protein change: p.Arg3661fs; shifts the reading frame from arginine 3661.
Molecular consequence: frameshift variant.
Genome position (GRCh38, 1-based): chr6:152,353,687-152,353,688, CT deleted on the plus strand (AG on the coding strand, the reverse complement: SYNE1 is on the minus strand); deleting any 2 consecutive bases within chr6:152,353,687-152,353,690 gives the same sequence; the c. name uses the placement nearest the transcript's 3' end. VCF-style (leftmost placement, unchanged base first): chr6-152353686-GCT-G. GRCh37 (hg19) VCF-style: chr6-152674821-GCT-G.
Other names: c.10938_10939del (NM_033071.3); c.10936_10937AG[1], p.Arg3646Serfs (NM_033071.3); c.10938_10939del, p.Arg3646fs (NM_033071.5); short protein forms R3646fs, R3661fs.
Identifiers: ClinVar variation 4082522 (VCV004082522.2).

ClinVar aggregate classification (germline): Likely pathogenic (1 of 4 stars; one submission).

Submission:

Genetic Services Laboratory, University of Chicago
Classification: Likely pathogenic. Last evaluated: 2023-02-25. Review status: criteria provided, single submitter. Criteria: ACMG Guidelines, 2015. Collection method: clinical testing. Allele origin: germline. Affected: yes.
Comment: DNA sequence analysis of the SYNE1 gene demonstrated a 2 base pair deletion in exon 68, c.10938_10939del. This pathogenic sequence change results in an amino acid frameshift and creates a premature stop codon 58 amino acids downstream of the change, p.Arg3646Serfs*58. This pathogenic sequence change is predicted to result in an abnormal transcript, which may be degraded, or may lead to the production of a truncated SYNE1 protein with potentially abnormal function. The c.10938_10939del sequence change has not been described in the population databases such as ExAC and gnomAD. While this sequence change has not previously been described in the literature, other deletions in the SYNE1 gene have been described in several individuals with SYNE1-related disorders (PMID: 32889669, 29081981, 29915382). These collective evidences indicate that this sequence change is likely pathogenic, however functional studies have not been performed to prove this conclusively.